The following is an entry in ClinVar:

ClinVar aggregate classification (germline): Uncertain significance. Review status: criteria provided, multiple submitters, no conflicts (2 of 4 stars). 2 submissions from 2 submitters: Uncertain significance (2). Last evaluated 2025-12-03.

Allele frequency attached by ClinVar (database versions not stated): ExAC 0.00002.
gnomAD v4.1: 8 of 1,613,892 alleles (0.0005%); highest among the groups gnomAD compares: South Asian, 0.0022%; no homozygotes.

Submissions (2):

Women's Health and Genetics/Laboratory Corporation of America, LabCorp
Classification: Uncertain significance. Last evaluated: 2025-12-03. Review status: criteria provided, single submitter. Criteria: LabCorp Variant Classification Summary - May 2015. Collection method: clinical testing. Allele origin: germline.
Comment: Variant summary: CACNA1G c.3063C>T (p.Ala1021Ala) alters a non-conserved nucleotide located close to a canonical splice site and therefore could affect mRNA splicing, leading to a significantly altered protein sequence. Consensus agreement among computation tools predict no significant impact on normal splicing. However, these predictions have yet to be confirmed by functional studies. The variant allele was found at a frequency of 8e-06 in 249224 control chromosomes. The available data on variant occurrences in the general population are insufficient to allow any conclusion about variant significance. To our knowledge, no occurrence of c.3063C>T in individuals affected with CACNA1G-related conditions and no experimental evidence demonstrating its impact on protein function have been reported. ClinVar contains an entry for this variant (Variation ID: 2571838). Based on the evidence outlined above, the variant was classified as uncertain significance.

GeneDx
Classification: Uncertain significance. Last evaluated: 2023-01-04. Review status: criteria provided, single submitter. Criteria: GeneDx Variant Classification Process June 2021. Collection method: clinical testing. Allele origin: germline. Affected: yes.
Comment: In silico analysis supports that this variant does not alter splicing; Has not been previously published as pathogenic or benign to our knowledge

NM_018896.5(CACNA1G):c.3063C>T (p.Ala1021=)

Gene: CACNA1G (calcium voltage-gated channel subunit alpha1 G; plus strand). Cytogenetic location: 17q21.33.
Variant type: single nucleotide variant.
Coding change: c.3063C>T on transcript NM_018896.5 (MANE Select); coding-DNA position 3063, C replaced by T.
Protein change: p.Ala1021=; no amino-acid change (alanine 1021 retained).
Molecular consequence: synonymous variant. On other transcripts: non-coding transcript variant (5).
Genome position (GRCh38, 1-based): chr17:50,596,645, C>T. VCF-style: chr17-50596645-C-T. GRCh37 (hg19) VCF-style: chr17-48674006-C-T.
Other names: c.3063C>T, p.Ala1021= (NM_001256324.2, NM_001256325.2, NM_001256326.2 and 16 more transcripts); c.2994C>T, p.Ala998= (NM_001256332.2, NM_198376.3, NM_198379.3 and 5 more transcripts).
Identifiers: ClinVar variation 2571838 (VCV002571838.2), dbSNP rs771431361, ClinGen allele CA8652609.
Genomic context (GRCh38, chr17:50,596,645, plus strand): 5'-AGAGCCCGATTTCTTCTCACCCAGCCTGGATGGTGATGGGGACAGGAAGAAGTGCTTGGC[C>T]TGTGAGTACCTATCCTGGGGTGCGACTTTTGGCCCTGGGCCAGCCCTGTGTGGACTCGGG-3'
Protein context (NP_061496.2, residues 1011-1031): DGDGDRKKCL[Ala1021=]LVSLGEHPEL